The following is an entry in ClinVar:

NM_025000.4(DCAF17):c.339T>A (p.Asn113Lys)

Gene: DCAF17 (DDB1 and CUL4 associated factor 17; plus strand). Cytogenetic location: 2q31.1.
Variant type: single nucleotide variant.
Coding change: c.339T>A on transcript NM_025000.4 (MANE Select); coding-DNA position 339, T replaced by A.
Protein change: p.Asn113Lys; replaces asparagine 113 with lysine.
Molecular consequence: missense variant. On other transcripts: non-coding transcript variant (1).
Genome position (GRCh38, 1-based): chr2:171,448,698, T>A. VCF-style: chr2-171448698-T-A. GRCh37 (hg19) VCF-style: chr2-172305208-T-A.
Other names: c.339T>A, p.Asn113Lys (NM_001164821.2); short protein forms N113K.
Identifiers: ClinVar variation 935996 (VCV000935996.10), dbSNP rs1204025103, ClinGen allele CA349276594.
Genomic context (GRCh38, chr2:171,448,698, plus strand): 5'-TGGCCAAGCAGTTTCATTTTTATATCTCTCTTTTTTTTTTTAGGGAGATATACTTCCCAA[T>A]TCATCAGATTATAAGTCCTCACTCATAGCACTGACTGCTCATAATTGGCTACTTCGTATA-3'
Protein context (NP_079276.2, residues 103-123): WECPVGDILP[Asn113Lys]SSDYKSSLIA

ClinVar aggregate classification (germline): Uncertain significance (1 of 4 stars; one submission).

Conditions:
Woodhouse-Sakati syndrome. Also called: Hypogonadism, Alopecia, Diabetes Mellitus, Mental Retardation, and Extrapyramidal Syndrome; EXTRAPYRAMIDAL DISORDER, PROGRESSIVE, WITH PRIMARY HYPOGONADISM, MENTAL RETARDATION, AND ALOPECIA; Hypogonadism, diabetes mellitus, alopecia, mental retardation and electrocardiographic abnormalities. Identifiers: Orphanet 3464, MedGen C0342286, MONDO:0009419, OMIM 241080.

Allele frequency attached by ClinVar (database versions not stated): gnomAD exomes below 0.00001.
gnomAD v4.1: 5 of 1,597,670 alleles (0.00031%); highest among the groups gnomAD compares: Non-Finnish European, 0.00043%; no homozygotes.

Submission:

Labcorp Genetics (formerly Invitae), Labcorp
Classification: Uncertain significance for Woodhouse-Sakati syndrome. Last evaluated: 2019-07-03. Review status: criteria provided, single submitter. Criteria: Invitae Variant Classification Sherloc (09022015). Collection method: clinical testing. Allele origin: germline.
Comment: This variant has not been reported in the literature in individuals with DCAF17-related conditions. Algorithms developed to predict the effect of missense changes on protein structure and function (SIFT, PolyPhen-2, Align-GVGD) all suggest that this variant is likely to be tolerated, but these predictions have not been confirmed by published functional studies and their clinical significance is uncertain. In summary, the available evidence is currently insufficient to determine the role of this variant in disease. Therefore, it has been classified as a Variant of Uncertain Significance. This variant is not present in population databases (ExAC no frequency). This sequence change replaces asparagine with lysine at codon 113 of the DCAF17 protein (p.Asn113Lys). The asparagine residue is moderately conserved and there is a moderate physicochemical difference between asparagine and lysine.